The following is an entry in ClinVar:

ClinVar aggregate classification (germline): Likely pathogenic. Review status: criteria provided, multiple submitters, no conflicts (2 of 4 stars). 3 submissions from 3 submitters: Likely pathogenic (2). 1 of the submissions does not count toward it. Last evaluated 2025-10-25.

Conditions:
Pyruvate dehydrogenase complex deficiency (PDHC). Also called: Pyruvate Dehydrogenase Complex Deficiency Disease; Pyruvate dehydrogenase deficiency; PYRUVATE DECARBOXYLASE DEFICIENCY; Ataxia with lactic acidosis 1; PDH DEFICIENCY. Identifiers: Orphanet 765, Orphanet 79243, MedGen C0034345, MONDO:0019169.
Pyruvate dehydrogenase E1-alpha deficiency (PDHAD). Also called: ATAXIA, INTERMITTENT, WITH PYRUVATE DEHYDROGENASE DEFICIENCY; ATAXIA WITH LACTIC ACIDOSIS I; Ataxia, intermittent, with pyruvate dehydrogenase, or decarboxylase, deficiency; ATAXIA, INTERMITTENT, WITH ABNORMAL PYRUVATE METABOLISM. Identifiers: Orphanet 79243, MedGen C1839413, MONDO:0010717, OMIM 312170.

Submissions (3):

Natera, Inc.
Classification: Likely pathogenic for Pyruvate decarboxylase deficiency. Last evaluated: 2025-10-25. Review status: criteria provided, single submitter. Criteria: Natera Variant Classification Schema (03/2026). Collection method: clinical testing. Allele origin: germline.
Comment: The c.733A>G variant in PDHA1 is a missense variant predicted to cause substitution of arginine to glycine at amino acid 245. This variant is rare in the general population with a frequency below the threshold expected for the associated phenotype(s). This variant has been observed in affected individual(s) with monoallelic occurrence (heterozygous/hemizygous) (PMID: 21914562, 19332025). This variant is located in a functionally critical region of the protein. Computational prediction algorithms indicate this variant is likely to affect gene or protein function. Given the available evidence, this variant is classified as Likely Pathogenic.

GeneDx
Classification: Likely pathogenic. Last evaluated: 2024-05-06. Review status: criteria provided, single submitter. Criteria: GeneDx Variant Classification Process June 2021. Collection method: clinical testing. Allele origin: germline. Affected: yes.
Comment: Identified in patients with features of PDHA1-related pyruvate dehydrogenase deficiency in published literature (PMID: 19332025, 21914562); Not observed at significant frequency in large population cohorts (gnomAD); In silico analysis supports that this missense variant has a deleterious effect on protein structure/function; This variant is associated with the following publications: (PMID: 19332025, 21914562)

PDHA1 Study Group, University Children’s Hospital, Paracelsus Medical University
Classification: Pathogenic for Pyruvate dehydrogenase E1-alpha deficiency. Last evaluated: 2024-10-15. Review status: no assertion criteria provided. Collection method: research. Allele origin: de novo. Affected: yes. Observed: 2 variant alleles. Not counted in ClinVar's aggregate classification.
Comment: The NM_000284.3:c.733A>G (p.Arg245Gly) substitution is a missense variant in PDHA1 gene. In total, 2 individuals were diagnosed with PDHA1-related Pyruvate dehydrogenase complex (PDHc) deficiency (MIM #312170). Among them, 1 case had confirmed de novo occurrence. The variant has been reported in 2 published cases (PMIDs: 19332025, 21914562). Last literature search: July 12, 2024. This variant is absent or extremely rare in population-based cohorts in the Genome Aggregation Database (gnomAD). Individuals harboring this variant presented with clinical features compatible with PDHA1-related PDHc deficiency. In summary, this variant meets criteria to be classified as pathogenic (P) for PDHA1-related PDHc deficiency based on the ACMG/AMP criteria applied: PS3, PM1, PM2, PM5, PM7, PP3 (last assessment October 15, 2024).

Literature cited by the submitters: PubMed 21914562 (cited by Natera, Inc. and PDHA1 Study Group, University Children’s Hospital, Paracelsus Medical University); PubMed 19332025 (cited by Natera, Inc. and PDHA1 Study Group, University Children’s Hospital, Paracelsus Medical University); DOI 10.1093/brain/awaf430 (cited by PDHA1 Study Group, University Children’s Hospital, Paracelsus Medical University).

NM_000284.4(PDHA1):c.733A>G (p.Arg245Gly)

Gene: PDHA1 (pyruvate dehydrogenase E1 subunit alpha 1; plus strand). Cytogenetic location: Xp22.12.
Variant type: single nucleotide variant.
Coding change: c.733A>G on transcript NM_000284.4 (MANE Select); coding-DNA position 733, A replaced by G.
Protein change: p.Arg245Gly; replaces arginine 245 with glycine.
Molecular consequence: missense variant.
Genome position (GRCh38, 1-based): chrX:19,355,478, A>G. VCF-style: chrX-19355478-A-G. GRCh37 (hg19) VCF-style: chrX-19373596-A-G.
Other names: c.847A>G, p.Arg283Gly (NM_001173454.2); c.754A>G, p.Arg252Gly (NM_001173455.2); c.640A>G, p.Arg214Gly (NM_001173456.2); short protein forms R214G, R245G, R252G, R283G.
Identifiers: ClinVar variation 3375522 (VCV003375522.3).